The following is an entry in ClinVar:

NM_181426.2(CCDC39):c.1693A>T (p.Lys565Ter)

Gene: CCDC39 (coiled-coil domain 39 molecular ruler complex subunit; minus strand). Cytogenetic location: 3q26.33.
Variant type: single nucleotide variant.
Coding change: c.1693A>T on transcript NM_181426.2 (MANE Select); coding-DNA position 1693, A replaced by T.
Protein change: p.Lys565Ter; replaces lysine 565 with a stop codon.
Molecular consequence: nonsense.
Genome position (GRCh38, 1-based): chr3:180,642,174, T>A on the plus strand (A>T on the coding strand, the complement: CCDC39 is on the minus strand). VCF-style: chr3-180642174-T-A. GRCh37 (hg19) VCF-style: chr3-180359962-T-A.
Other names: short protein forms K565*.
Identifiers: ClinVar variation 2761360 (VCV002761360.3), dbSNP rs2473804165, ClinGen allele CA355309207.

ClinVar aggregate classification (germline): Pathogenic (1 of 4 stars; one submission).

Conditions:
Primary ciliary dyskinesia. Also called: Ciliary dyskinesia. Identifiers: Orphanet 244, MedGen C0008780, MONDO:0016575, HP:0012265.

Submission:

Labcorp Genetics (formerly Invitae), Labcorp
Classification: Pathogenic for Primary ciliary dyskinesia. Last evaluated: 2024-03-05. Review status: criteria provided, single submitter. Criteria: Invitae Variant Classification Sherloc (09022015). Collection method: clinical testing. Allele origin: germline.
Comment: This sequence change creates a premature translational stop signal (p.Lys565*) in the CCDC39 gene. It is expected to result in an absent or disrupted protein product. Loss-of-function variants in CCDC39 are known to be pathogenic (PMID: 21131972, 23255504). This variant is not present in population databases (gnomAD no frequency). This variant has not been reported in the literature in individuals affected with CCDC39-related conditions. For these reasons, this variant has been classified as Pathogenic.

Literature cited by the submitters: PubMed 21131972; PubMed 23255504.